The following is an entry in ClinVar:

NM_004092.4(ECHS1):c.3G>C (p.Met1Ile)

Genes: ECHS1 (enoyl-CoA hydratase, short chain 1; minus strand), LOC130005023 (ATAC-STARR-seq lymphoblastoid silent region 2977; plus strand). Cytogenetic location: 10q26.3.
Variant type: single nucleotide variant.
Coding change: c.3G>C on transcript NM_004092.4 (MANE Select); coding-DNA position 3, G replaced by C.
Protein change: p.Met1Ile; changes the start codon (methionine 1).
Molecular consequence: missense variant, initiator codon variant.
Genome position (GRCh38, 1-based): chr10:133,373,331, C>G on the plus strand (G>C on the coding strand, the complement: ECHS1 is on the minus strand). VCF-style: chr10-133373331-C-G. GRCh37 (hg19) VCF-style: chr10-135186835-C-G.
Other names: short protein forms M1I.
Identifiers: ClinVar variation 1992780 (VCV001992780.5), dbSNP rs765896234, ClinGen allele CA378824565.

ClinVar aggregate classification (germline): Pathogenic (1 of 4 stars; one submission).

Submission:

Labcorp Genetics (formerly Invitae), Labcorp
Classification: Pathogenic. Last evaluated: 2022-05-18. Review status: criteria provided, single submitter. Criteria: Invitae Variant Classification Sherloc (09022015). Collection method: clinical testing. Allele origin: germline.
Comment: This sequence change affects the initiator methionine of the ECHS1 mRNA. The next in-frame methionine is located at codon 103. This variant is not present in population databases (gnomAD no frequency). For these reasons, this variant has been classified as Pathogenic. This variant disrupts a region of the ECHS1 protein in which other variant(s) (p.Ala2Val) have been determined to be pathogenic (PMID: 25393721, 32677908, 33139125, 33163364). This suggests that this is a clinically significant region of the protein, and that variants that disrupt it are likely to be disease-causing. Studies have shown that disruption of the initiator codon alters ECHS1 gene expression (PMID: 25393721). Disruption of the initiator codon has been observed in individual(s) with Leigh syndrome (PMID: 25393721). In at least one individual the data is consistent with being in trans (on the opposite chromosome) from a pathogenic variant.

Literature cited by the submitters: PubMed 25393721; PubMed 32677908; PubMed 33139125; PubMed 33163364.